The following is an entry in ClinVar:

NC_000001.10:g.(?_63881705)_(63885042_?)del

Gene: ALG6 (ALG6 alpha-1,3-glucosyltransferase; plus strand). Cytogenetic location: 1p31.3.
Variant type: Deletion.
Identifiers: ClinVar variation 3247797 (VCV003247797.1).

ClinVar aggregate classification (germline): Likely pathogenic (1 of 4 stars; one submission).

Conditions:
ALG6-congenital disorder of glycosylation 1C (CDG1C). Also called: CDG Ic; Congenital disorder of glycosylation, type Ic; CARBOHYDRATE-DEFICIENT GLYCOPROTEIN SYNDROME, TYPE I, WITH DEFICIENT GLYCOSYLATION OF DOLICHOL-LINKED OLIGOSACCHARIDE; CARBOHYDRATE-DEFICIENT GLYCOPROTEIN SYNDROME, TYPE V; Congenital disorder of glycosylation type 1C. Identifiers: Orphanet 79320, MedGen C2930997, MONDO:0011291, OMIM 603147.

Submission:

Labcorp Genetics (formerly Invitae), Labcorp
Classification: Likely pathogenic for ALG6-congenital disorder of glycosylation 1C. Last evaluated: 2022-10-23. Review status: criteria provided, single submitter. Criteria: Invitae Variant Classification Sherloc (09022015). Collection method: clinical testing. Allele origin: unknown.
Comment: In summary, the currently available evidence indicates that the variant is pathogenic, but additional data are needed to prove that conclusively. Therefore, this variant has been classified as Likely Pathogenic. This variant has not been reported in the literature in individuals affected with ALG6-related conditions. This variant results in the deletion of part of exon 12 (c.987+77_989delins48) of the ALG6 gene. It is expected to disrupt RNA splicing. Variants that disrupt the donor or acceptor splice site typically lead to a loss of protein function (PMID: 16199547), and loss-of-function variants in ALG6 are known to be pathogenic (PMID: 19862844).

Literature cited by the submitters: PubMed 16199547; PubMed 19862844.